The following is an entry in ClinVar:

ClinVar aggregate classification (germline): Uncertain significance (1 of 4 stars; one submission).

Submission:

GeneDx
Classification: Uncertain significance. Last evaluated: 2019-12-18. Review status: criteria provided, single submitter. Criteria: GeneDx Variant Classification Process June 2021. Collection method: clinical testing. Allele origin: germline. Affected: yes.
Comment: Not observed in large population cohorts (Lek et al., 2016); The majority of missense variants in this gene are considered pathogenic (Stenson et al., 2014); In silico analysis, which includes protein predictors and evolutionary conservation, supports that this variant does not alter protein structure/function; Has not been previously published as pathogenic or benign to our knowledge; A different missense change at this residue (A1406T) has been reported in reported in the published literature (Lim et al., 2011)

NM_001165963.4(SCN1A):c.4217C>A (p.Ala1406Asp)

Genes: SCN1A (sodium voltage-gated channel alpha subunit 1; minus strand), LOC102724058 (uncharacterized LOC102724058; plus strand). Cytogenetic location: 2q24.3.
Variant type: single nucleotide variant.
Coding change: c.4217C>A on transcript NM_001165963.4 (MANE Select); coding-DNA position 4217, C replaced by A.
Protein change: p.Ala1406Asp; replaces alanine 1406 with aspartic acid.
Molecular consequence: missense variant. On other transcripts: non-coding transcript variant (1).
Genome position (GRCh38, 1-based): chr2:166,002,539, G>T on the plus strand (C>A on the coding strand, the complement: SCN1A is on the minus strand). VCF-style: chr2-166002539-G-T. GRCh37 (hg19) VCF-style: chr2-166859049-G-T.
Other names: c.4133C>A, p.Ala1378Asp (NM_001165964.3, NM_001353957.2, NM_001353958.2); c.4217C>A, p.Ala1406Asp (NM_001202435.3, NM_001353948.2); c.4184C>A, p.Ala1395Asp (NM_001353949.2, NM_001353950.2, NM_001353951.2 and 2 more transcripts); c.4181C>A, p.Ala1394Asp (NM_001353954.2, NM_001353955.2); c.4130C>A, p.Ala1377Asp (NM_001353960.2); c.1775C>A, p.Ala592Asp (NM_001353961.2); short protein forms A1377D, A1378D, A1394D, A1395D, A1406D, A592D.
Identifiers: ClinVar variation 1310724 (VCV001310724.2), dbSNP rs2105508284, ClinGen allele CA349050012.